The following is an entry in ClinVar:

NM_001267550.2(TTN):c.79016C>A (p.Ser26339Ter)

Genes: TTN-AS1 (TTN antisense RNA 1; plus strand), TTN (titin; minus strand). Cytogenetic location: 2q31.2.
Variant type: single nucleotide variant.
Coding change: c.79016C>A on transcript NM_001267550.2 (MANE Select); coding-DNA position 79016, C replaced by A.
Protein change: p.Ser26339Ter; replaces serine 26339 with a stop codon.
Molecular consequence: nonsense.
Genome position (GRCh38, 1-based): chr2:178,567,116, G>T on the plus strand (C>A on the coding strand, the complement: TTN is on the minus strand). VCF-style: chr2-178567116-G-T. GRCh37 (hg19) VCF-style: chr2-179431843-G-T.
Other names: c.74093C>A, p.Ser24698Ter (NM_001256850.1); c.51821C>A, p.Ser17274Ter (NM_003319.4); c.71312C>A, p.Ser23771Ter (NM_133378.4); c.52196C>A, p.Ser17399Ter (NM_133432.3); c.52397C>A, p.Ser17466Ter (NM_133437.4); short protein forms S17274*, S17399*, S17466*, S26339*, S23771*, S24698*.
Identifiers: ClinVar variation 2951569 (VCV002951569.3), dbSNP rs2468311018, ClinGen allele CA349600186.
Genomic context (GRCh38, chr2:178,567,116, plus strand): 5'-AAAACATATTCATTACCTTCTAAGAGTTTGGTAACTTTCAGAGAATTGGTCACAACTTCT[G>T]AAGCAACAACAGTCCAGGCAAGTCGACTGGTTTCTCGCTTTTCAACAACATAGTGAGAAA-3'

ClinVar aggregate classification (germline): Likely pathogenic (1 of 4 stars; one submission).

Conditions:
Dilated cardiomyopathy 1G (CMD1G). Identifiers: Orphanet 154, MedGen C1858763, MONDO:0011400, OMIM 604145.
Autosomal recessive limb-girdle muscular dystrophy type 2J (LGMDR10). Also called: Limb-girdle muscular dystrophy, type 2J; MUSCULAR DYSTROPHY, LIMB-GIRDLE, AUTOSOMAL RECESSIVE 10. Identifiers: Orphanet 140922, MedGen C1837342, MONDO:0012127, OMIM 608807.

Submission:

Labcorp Genetics (formerly Invitae), Labcorp
Classification: Likely pathogenic for Dilated cardiomyopathy 1G; Autosomal recessive limb-girdle muscular dystrophy type 2J. Last evaluated: 2023-09-03. Review status: criteria provided, single submitter. Criteria: Invitae Variant Classification Sherloc (09022015). Collection method: clinical testing. Allele origin: germline.
Comment: In summary, the currently available evidence indicates that the variant is pathogenic, but additional data are needed to prove that conclusively. Therefore, this variant has been classified as Likely Pathogenic. This variant is located in the A band of TTN (PMID: 25589632). Variants in this region may be relevant for cardiac or neuromuscular disorders (PMID: 25589632, 23975875). This premature translational stop signal has been observed in individual(s) with dilated cardiomyopathy (Invitae). This variant is not present in population databases (gnomAD no frequency). This sequence change creates a premature translational stop signal (p.Ser26339*) in the TTN gene. While this is not anticipated to result in nonsense mediated decay, it is expected to create a truncated TTN protein.

Literature cited by the submitters: PubMed 25589632; PubMed 23975875.